The following is an entry in ClinVar:

NM_014254.3(RXYLT1):c.1260C>A (p.His420Gln)

Genes: RXYLT1-AS1 (RXYLT1 antisense RNA 1; minus strand), RXYLT1 (ribitol xylosyltransferase 1; plus strand). Cytogenetic location: 12q14.2.
Variant type: single nucleotide variant.
Coding change: c.1260C>A on transcript NM_014254.3 (MANE Select); coding-DNA position 1260, C replaced by A.
Protein change: p.His420Gln; replaces histidine 420 with glutamine.
Molecular consequence: missense variant.
Genome position (GRCh38, 1-based): chr12:63,809,020, C>A. VCF-style: chr12-63809020-C-A. GRCh37 (hg19) VCF-style: chr12-64202800-C-A.
Other names: c.480C>A, p.His160Gln (NM_001278237.2); short protein forms H420Q, H160Q.
Identifiers: ClinVar variation 1475084 (VCV001475084.5), dbSNP rs751484155, ClinGen allele CA238830883.

ClinVar aggregate classification (germline): Uncertain significance (1 of 4 stars; one submission).

Allele frequency attached by ClinVar (database versions not stated): gnomAD 0.00001.
gnomAD v4.1: 5 of 1,596,530 alleles (0.00031%); highest among the groups gnomAD compares: Non-Finnish European, 0.00043%; no homozygotes.

Submission:

Labcorp Genetics (formerly Invitae), Labcorp
Classification: Uncertain significance. Last evaluated: 2022-05-21. Review status: criteria provided, single submitter. Criteria: Invitae Variant Classification Sherloc (09022015). Collection method: clinical testing. Allele origin: germline.
Comment: This sequence change replaces histidine, which is basic and polar, with glutamine, which is neutral and polar, at codon 420 of the RXYLT1 protein (p.His420Gln). This variant is present in population databases (no rsID available, gnomAD 0.007%). This variant has not been reported in the literature in individuals affected with RXYLT1-related conditions. Algorithms developed to predict the effect of missense changes on protein structure and function output the following: SIFT: "Tolerated"; PolyPhen-2: "Benign"; Align-GVGD: "Class C0". The glutamine amino acid residue is found in multiple mammalian species, which suggests that this missense change does not adversely affect protein function. In summary, the available evidence is currently insufficient to determine the role of this variant in disease. Therefore, it has been classified as a Variant of Uncertain Significance.